The following is an entry in ClinVar:

ClinVar aggregate classification (germline): Benign/Likely benign. Review status: criteria provided, multiple submitters, no conflicts (2 of 4 stars). 6 submissions from 6 submitters: Benign (1); Likely benign (4). 1 of the submissions does not count toward it. Last evaluated 2025-11-23.

Conditions:
POLE-related disorder. Also called: POLE-related disorders; POLE-related condition.
Hereditary cancer-predisposing syndrome. Also called: Tumor predisposition; Neoplastic Syndromes, Hereditary; Hereditary Cancer Syndrome; Hereditary neoplastic syndrome. Identifiers: Orphanet 140162, MedGen C0027672, MeSH D009386, MONDO:0015356.
Colorectal cancer, susceptibility to, 12 (CRCS12). Also called: COLORECTAL CANCER, SUSCEPTIBILITY TO, ON CHROMOSOME 12q24. Identifiers: Orphanet 220460, MedGen C3554460, MONDO:0014038, OMIM 615083.

Allele frequency attached by ClinVar (database versions not stated): gnomAD 0.00003 and 0.00004; TOPMed 0.00011.
gnomAD v4.1: 10 of 1,613,472 alleles (0.00062%); highest among the groups gnomAD compares: Admixed American, 0.012%; no homozygotes.

Submissions (6):

Labcorp Genetics (formerly Invitae), Labcorp
Classification: Likely benign. Last evaluated: 2025-11-23. Review status: criteria provided, single submitter. Criteria: Invitae Variant Classification Sherloc (09022015). Collection method: clinical testing. Allele origin: germline.

Myriad Genetics, Inc.
Classification: Benign for Colorectal cancer, susceptibility to, 12. Last evaluated: 2025-02-07. Review status: criteria provided, single submitter. Criteria: Myriad Autosomal Dominant, Autosomal Recessive and X-Linked Classification Criteria (2023). Collection method: clinical testing. Allele origin: unknown.
Comment: This variant is considered benign. This variant is a silent/synonymous amino acid change and it is not expected to impact splicing.

Quest Diagnostics Nichols Institute San Juan Capistrano
Classification: Likely benign. Last evaluated: 2022-07-21. Review status: criteria provided, single submitter. Criteria: Quest Diagnostics criteria. Collection method: clinical testing. Allele origin: unknown.

GeneDx
Classification: Likely benign. Last evaluated: 2016-08-21. Review status: criteria provided, single submitter. Criteria: GeneDx Variant Classification (06012015). Collection method: clinical testing. Allele origin: germline. Affected: yes.
Comment: This variant is considered likely benign or benign based on one or more of the following criteria: it is a conservative change, it occurs at a poorly conserved position in the protein, it is predicted to be benign by multiple in silico algorithms, and/or has population frequency not consistent with disease.

Ambry Genetics
Classification: Likely benign for Hereditary cancer-predisposing syndrome. Last evaluated: 2016-05-02. Review status: criteria provided, single submitter. Criteria: Ambry Variant Classification Scheme 2023. Collection method: clinical testing. Allele origin: germline.

PreventionGenetics, part of Exact Sciences
Classification: Likely benign for POLE-related condition. Last evaluated: 2019-05-07. Review status: no assertion criteria provided. Collection method: clinical testing. Allele origin: germline. Not counted in ClinVar's aggregate classification.
Comment: This variant is classified as likely benign based on ACMG/AMP sequence variant interpretation guidelines (Richards et al. 2015 PMID: 25741868, with internal and published modifications).

NM_006231.4(POLE):c.828T>C (p.Ile276=)

Gene: POLE (DNA polymerase epsilon, catalytic subunit; minus strand). Cytogenetic location: 12q24.33.
Variant type: single nucleotide variant.
Coding change: c.828T>C on transcript NM_006231.4 (MANE Select); coding-DNA position 828, T replaced by C.
Protein change: p.Ile276=; no amino-acid change (isoleucine 276 retained).
Molecular consequence: synonymous variant.
Genome position (GRCh38, 1-based): chr12:132,676,627, A>G on the plus strand (T>C on the coding strand, the complement: POLE is on the minus strand). VCF-style: chr12-132676627-A-G. GRCh37 (hg19) VCF-style: chr12-133253213-A-G.
Identifiers: ClinVar variation 240631 (VCV000240631.21), dbSNP rs878854897, ClinGen allele CA10583026.
Genomic context (GRCh38, chr12:132,676,627, plus strand): 5'-AATCATCATAATCTGGTCTGTCTCAGCATCAGGAAACTTGAGGGGCAGTTTGGTCGTCTC[A>G]ATGTCAAATGCCAAAACCACAGGGTCCTGTGGGGACAAAATAAGCATAAAGCCAAGCTCT-3'
Protein context (NP_006222.2, residues 266-286): RPDPVVLAFD[Ile276=]ETTKLPLKFP